The following is an entry in ClinVar:

NM_001276270.2(MBD4):c.1372A>G (p.Ile458Val)

Gene: MBD4 (methyl-CpG binding domain 4, DNA glycosylase; minus strand). Cytogenetic location: 3q21.3.
Variant type: single nucleotide variant.
Coding change: c.1372A>G on transcript NM_001276270.2 (MANE Select); coding-DNA position 1372, A replaced by G.
Protein change: p.Ile458Val; replaces isoleucine 458 with valine.
Molecular consequence: missense variant.
Genome position (GRCh38, 1-based): chr3:129,433,871, T>C on the plus strand (A>G on the coding strand, the complement: MBD4 is on the minus strand). VCF-style: chr3-129433871-T-C. GRCh37 (hg19) VCF-style: chr3-129152714-T-C.
Other names: c.1390A>G, p.Ile464Val (NM_001276271.2, NM_001276272.2, NM_003925.3); c.436A>G, p.Ile146Val (NM_001276273.2); short protein forms I146V, I458V, I464V.
Identifiers: ClinVar variation 1338043 (VCV001338043.7), dbSNP rs527715494, ClinGen allele CA2605316.

ClinVar aggregate classification (germline): Uncertain significance. Review status: criteria provided, multiple submitters, no conflicts (2 of 4 stars). 3 submissions from 3 submitters: Uncertain significance (3). Last evaluated 2025-11-02.

Conditions:
Inborn genetic diseases. Identifiers: MedGen C0950123, MeSH D030342.

Allele frequency attached by ClinVar (database versions not stated): 1000 Genomes Project 30x 0.00016; gnomAD 0.00001; ExAC 0.00002; gnomAD exomes 0.00001 and 0.00002; 1000 Genomes Project 0.00020.
gnomAD v4.1: 14 of 1,614,134 alleles (0.00087%); highest among the groups gnomAD compares: Admixed American, 0.0067%; no homozygotes.

Submissions (3):

Ambry Genetics
Classification: Uncertain significance for Inborn genetic diseases. Last evaluated: 2025-11-02. Review status: criteria provided, single submitter. Criteria: Ambry Variant Classification Scheme 2023. Collection method: clinical testing. Allele origin: germline.

Labcorp Genetics (formerly Invitae), Labcorp
Classification: Uncertain significance. Last evaluated: 2025-02-04. Review status: criteria provided, single submitter. Criteria: Invitae Variant Classification Sherloc (09022015). Collection method: clinical testing. Allele origin: germline.
Comment: This sequence change replaces isoleucine, which is neutral and non-polar, with valine, which is neutral and non-polar, at codon 464 of the MBD4 protein (p.Ile464Val). This variant is present in population databases (rs527715494, gnomAD 0.01%). This variant has not been reported in the literature in individuals affected with MBD4-related conditions. ClinVar contains an entry for this variant (Variation ID: 1338043). An algorithm developed to predict the effect of missense changes on protein structure and function (PolyPhen-2) suggests that this variant¬†is likely to be tolerated. In summary, the available evidence is currently insufficient to determine the role of this variant in disease. Therefore, it has been classified as a Variant of Uncertain Significance.

Genetic Services Laboratory, University of Chicago
Classification: Uncertain significance. Last evaluated: 2021-07-28. Review status: criteria provided, single submitter. Criteria: ACMG Guidelines, 2015. Collection method: clinical testing. Allele origin: germline. Affected: no.
Comment: This sequence change does not appear to have been previously described in patients with MBD4-related disorders and has been described in the gnomAD database with a low population frequency of 0.0021% (dbSNP rs527715494). The p.Ile464Val change affects a highly conserved amino acid residue located in a domain of the MBD4 protein that is not known to be functional. The p.Ile464Val substitution appears to be benign using several in-silico pathogenicity prediction tools (SIFT, PolyPhen2, Align GVGD, REVEL). Due to these contrasting evidences and the lack of functional studies, the clinical significance of the p.Ile464Val change remains unknown at this time.